The following is an entry in ClinVar:

NM_017934.7(PHIP):c.5242G>A (p.Asp1748Asn)

Genes: IRAK1BP1 (interleukin 1 receptor associated kinase 1 binding protein 1; plus strand), PHIP (PHIP subunit of CUL4-Ring ligase complex; minus strand). Cytogenetic location: 6q14.1.
Variant type: single nucleotide variant.
Coding change: c.5242G>A on transcript NM_017934.7 (MANE Select); coding-DNA position 5242, G replaced by A.
Protein change: p.Asp1748Asn; replaces aspartic acid 1748 with asparagine.
Molecular consequence: missense variant.
Genome position (GRCh38, 1-based): chr6:78,940,917, C>T on the plus strand (G>A on the coding strand, the complement: PHIP is on the minus strand). VCF-style: chr6-78940917-C-T. GRCh37 (hg19) VCF-style: chr6-79650634-C-T.
Other names: short protein forms D1748N.
Identifiers: ClinVar variation 4810478 (VCV004810478.1).
Genomic context (GRCh38, chr6:78,940,917, plus strand): 5'-TTCTCATGTGGGGTTCAGAGCCTTTGAGTTCTTCAAACTCTTCTTCCTCATCTATAGGAT[C>T]ATCTATCTTTTTTCGGTTACTTCTCCTTAACACTTTGACACTTGCAGGGACTAGGAGATC-3'
Protein context (NP_060404.4, residues 1738-1758): LRRSNRKKID[Asp1748Asn]PIDEEEEFEE

ClinVar aggregate classification (germline): Uncertain significance (1 of 4 stars; one submission).

gnomAD v4.1: 3 of 1,613,724 alleles (0.00019%); highest among the groups gnomAD compares: Non-Finnish European, 0.00025%; no homozygotes.

Submission:

Labcorp Genetics (formerly Invitae), Labcorp
Classification: Uncertain significance. Last evaluated: 2025-11-15. Review status: criteria provided, single submitter. Criteria: Invitae Variant Classification Sherloc (09022015). Collection method: clinical testing. Allele origin: germline.
Comment: This sequence change replaces aspartic acid, which is acidic and polar, with asparagine, which is neutral and polar, at codon 1748 of the PHIP protein (p.Asp1748Asn). This variant is not present in population databases (gnomAD no frequency). This variant has not been reported in the literature in individuals affected with PHIP-related conditions. Invitae Evidence Modeling of protein sequence and biophysical properties (such as structural, functional, and spatial information, amino acid conservation, physicochemical variation, residue mobility, and thermodynamic stability) indicates that this missense variant is not expected to disrupt PHIP protein function with a negative predictive value of 95%. In summary, the available evidence is currently insufficient to determine the role of this variant in disease. Therefore, it has been classified as a Variant of Uncertain Significance.